The following is an entry in ClinVar:

ClinVar aggregate classification (germline): Pathogenic/Likely pathogenic. Review status: criteria provided, multiple submitters, no conflicts (2 of 4 stars). 2 submissions from 2 submitters: Pathogenic (1); Likely pathogenic (1). Last evaluated 2022-09-05.

Conditions:
RARS-related disorders.

Submissions (2):

Labcorp Genetics (formerly Invitae), Labcorp
Classification: Pathogenic. Last evaluated: 2022-09-05. Review status: criteria provided, single submitter. Criteria: Invitae Variant Classification Sherloc (09022015). Collection method: clinical testing. Allele origin: germline.
Comment: For these reasons, this variant has been classified as Pathogenic. This variant has not been reported in the literature in individuals affected with RARS-related conditions. This variant is not present in population databases (gnomAD no frequency). This sequence change creates a premature translational stop signal (p.Phe280Argfs*11) in the RARS gene. It is expected to result in an absent or disrupted protein product. Loss-of-function variants in RARS are known to be pathogenic (PMID: 24777941).

Blueprint Genetics
Classification: Likely pathogenic for RARS-related disorders. Last evaluated: 2021-10-24. Review status: criteria provided, single submitter. Criteria: ACMG Guidelines, 2015. Collection method: clinical testing. Allele origin: germline. Affected: yes. Observed: 1 variant allele.

Literature cited by the submitters: PubMed 24777941 (cited by Labcorp Genetics (formerly Invitae), Labcorp).

NM_002887.4(RARS1):c.838_850del (p.Phe280fs)

Gene: RARS1 (arginyl-tRNA synthetase 1; plus strand). Cytogenetic location: 5q34.
Variant type: Deletion.
Coding change: c.838_850del on transcript NM_002887.4 (MANE Select); coding-DNA positions 838 to 850, 13 bases deleted (TTTGATACTGAGG).
Protein change: p.Phe280fs; shifts the reading frame from phenylalanine 280.
Molecular consequence: frameshift variant.
Genome position (GRCh38, 1-based): chr5:168,500,606-168,500,618, TTTGATACTGAGG deleted; deleting any 13 consecutive bases within chr5:168,500,602-168,500,618 gives the same sequence; the c. name uses the placement nearest the transcript's 3' end. VCF-style (leftmost placement, unchanged base first): chr5-168500601-AGAGGTTTGATACT-A. GRCh37 (hg19) VCF-style: chr5-167927606-AGAGGTTTGATACT-A.
Other names: short protein forms F280fs.
Identifiers: ClinVar variation 2027507 (VCV002027507.5), dbSNP rs2533375515, ClinGen allele CA2580074010.